The following is an entry in ClinVar:

NM_199420.4(POLQ):c.2429T>C (p.Leu810Pro)

Gene: POLQ (DNA polymerase theta; minus strand). Cytogenetic location: 3q13.33.
Variant type: single nucleotide variant.
Coding change: c.2429T>C on transcript NM_199420.4 (MANE Select); coding-DNA position 2429, T replaced by C.
Protein change: p.Leu810Pro; replaces leucine 810 with proline.
Molecular consequence: missense variant.
Genome position (GRCh38, 1-based): chr3:121,493,571, A>G on the plus strand (T>C on the coding strand, the complement: POLQ is on the minus strand). VCF-style: chr3-121493571-A-G. GRCh37 (hg19) VCF-style: chr3-121212418-A-G.
Other names: short protein forms L810P.
Identifiers: ClinVar variation 1791130 (VCV001791130.2), dbSNP rs2546790706, ClinGen allele CA354107725.
Genomic context (GRCh38, chr3:121,493,571, plus strand): 5'-TCCACCTCCACAATATTTGCTCTAGCAAGGTCTGCCACAGTATGAAAGCCAGAAGCATAG[A>G]GAACCCTGGCTCTCTGAGCATTTAGTAAGGATACCCGAACCAGGTCACACAGCTCCCTCT-3'
Protein context (NP_955452.3, residues 800-820): SLLNAQRARV[Leu810Pro]YASGFHTVAD

ClinVar aggregate classification (germline): Uncertain significance (1 of 4 stars; one submission).

Submission:

Ambry Genetics
Classification: Uncertain significance. Last evaluated: 2022-01-21. Review status: criteria provided, single submitter. Criteria: Ambry Variant Classification Scheme 2023. Collection method: clinical testing. Allele origin: germline.
Comment: The p.L810P variant (also known as c.2429T>C), located in coding exon 15 of the POLQ gene, results from a T to C substitution at nucleotide position 2429. The leucine at codon 810 is replaced by proline, an amino acid with similar properties. This amino acid position is conserved. In addition, this alteration is predicted to be deleterious by in silico analysis. Since supporting evidence is limited at this time, the clinical significance of this alteration remains unclear.